The following is an entry in ClinVar:

ClinVar aggregate classification (germline): Uncertain significance. Review status: criteria provided, multiple submitters, no conflicts (2 of 4 stars). 2 submissions from 2 submitters: Uncertain significance (2). Last evaluated 2024-11-28.

Conditions:
Inborn genetic diseases. Identifiers: MedGen C0950123, MeSH D030342.

gnomAD v4.1: 3 of 1,614,160 alleles (0.00019%); highest among the groups gnomAD compares: Admixed American, 0.005%; no homozygotes.

Submissions (2):

Ambry Genetics
Classification: Uncertain significance for Inborn genetic diseases. Last evaluated: 2024-11-28. Review status: criteria provided, single submitter. Criteria: Ambry Variant Classification Scheme 2023. Collection method: clinical testing. Allele origin: germline.
Comment: The p.I79L variant (also known as c.235A>C), located in coding exon 1 of the SAMD9 gene, results from an A to C substitution at nucleotide position 235. The isoleucine at codon 79 is replaced by leucine, an amino acid with highly similar properties. This amino acid position is conserved. In addition, this alteration is predicted to be tolerated by in silico analysis. Based on the available evidence, the clinical significance of this variant remains unclear.

Labcorp Genetics (formerly Invitae), Labcorp
Classification: Uncertain significance. Last evaluated: 2022-10-07. Review status: criteria provided, single submitter. Criteria: Invitae Variant Classification Sherloc (09022015). Collection method: clinical testing. Allele origin: germline.
Comment: This sequence change replaces isoleucine, which is neutral and non-polar, with leucine, which is neutral and non-polar, at codon 79 of the SAMD9 protein (p.Ile79Leu). This variant is present in population databases (no rsID available, gnomAD 0.009%). This variant has not been reported in the literature in individuals affected with SAMD9-related conditions. Advanced modeling of protein sequence and biophysical properties (such as structural, functional, and spatial information, amino acid conservation, physicochemical variation, residue mobility, and thermodynamic stability) performed at Invitae indicates that this missense variant is not expected to disrupt SAMD9 protein function. In summary, the available evidence is currently insufficient to determine the role of this variant in disease. Therefore, it has been classified as a Variant of Uncertain Significance.

NM_017654.4(SAMD9):c.235A>C (p.Ile79Leu)

Gene: SAMD9 (sterile alpha motif domain containing 9; minus strand). Cytogenetic location: 7q21.2.
Variant type: single nucleotide variant.
Coding change: c.235A>C on transcript NM_017654.4 (MANE Select); coding-DNA position 235, A replaced by C.
Protein change: p.Ile79Leu; replaces isoleucine 79 with leucine.
Molecular consequence: missense variant.
Genome position (GRCh38, 1-based): chr7:93,105,863, T>G on the plus strand (A>C on the coding strand, the complement: SAMD9 is on the minus strand). VCF-style: chr7-93105863-T-G. GRCh37 (hg19) VCF-style: chr7-92735176-T-G.
Other names: c.235A>C, p.Ile79Leu (NM_001193307.2); c.235A>C (NM_017654.3); short protein forms I79L.
Identifiers: ClinVar variation 1958658 (VCV001958658.3), dbSNP rs1336926502, ClinGen allele CA368205684.